The following is an entry in ClinVar:

ClinVar aggregate classification (germline): Uncertain significance. Review status: criteria provided, multiple submitters, no conflicts (2 of 4 stars). 4 submissions from 4 submitters: Uncertain significance (4). Last evaluated 2023-02-01.

Conditions:
Arrhythmogenic right ventricular dysplasia 2. Identifiers: MedGen C1832931.
Ventricular arrhythmias due to cardiac ryanodine receptor calcium release deficiency syndrome. Also called: Autosomal dominant cardiac arrhythmia (Kuhn). Identifiers: MedGen C5542154, MONDO:0020745, OMIM 115000.
Catecholaminergic polymorphic ventricular tachycardia 1. Also called: RYR2-Related Catecholaminergic Polymorphic Ventricular Tachycardia; VENTRICULAR TACHYCARDIA, STRESS-INDUCED POLYMORPHIC 1; VENTRICULAR TACHYCARDIA, CATECHOLAMINERGIC POLYMORPHIC, 1, WITH OR WITHOUT ATRIAL DYSFUNCTION AND/OR DILATED CARDIOMYOPATHY. Identifiers: Orphanet 3286, MedGen C1631597, MONDO:0011484, OMIM 604772.
Polymorphic ventricular tachycardia. Identifiers: MedGen C0344432, MONDO:0020575, HP:0031677.

Submissions (4):

GeneDx
Classification: Uncertain significance. Last evaluated: 2023-02-01. Review status: criteria provided, single submitter. Criteria: GeneDx Variant Classification Process June 2021. Collection method: clinical testing. Allele origin: germline. Affected: yes.
Comment: Not observed at significant frequency in large population cohorts (gnomAD); Frameshift variant predicted to result in protein truncation or nonsense mediated decay in a gene or region of a gene for which loss of function is not a well-established mechanism of disease; Has not been previously published as pathogenic or benign to our knowledge

Fulgent Genetics
Classification: Uncertain significance for Ventricular arrhythmias due to cardiac ryanodine receptor calcium release deficiency syndrome; Catecholaminergic polymorphic ventricular tachycardia 1. Last evaluated: 2021-11-16. Review status: criteria provided, single submitter. Criteria: ACMG Guidelines, 2015. Collection method: clinical testing. Allele origin: unknown.

Broad Center for Mendelian Genomics, Broad Institute of MIT and Harvard
Classification: Uncertain significance. Last evaluated: 2020-01-22. Review status: criteria provided, single submitter. Criteria: ACMG Guidelines, 2015. Collection method: curation. Allele origin: germline.
Comment: The p.Lys1887Glnfs17 variant in RYR2 has not been previously reported in individuals with RYR2-related disease but was absent from large population studies. This variant is predicted to cause a frameshift, which alters the protein's amino acid sequence beginning at position 1887 and leads to a premature termination codon 17 amino acids downstream. This alteration is then predicted to lead to a truncated or absent protein. It is of note that loss of function of RYR2 in an autosomal dominant disease has not yet been established based on the criteria laid out in Tayoun, 2018 (PMID: 30192042). The number of missense variants reported in RYR2 in the general population is lower than expected, suggesting there is little benign variation in this gene and slightly increasing the possibility that a missense variant in this gene may not be tolerated. In summary, the clinical significance of the p.Lys1887Glnfs17 variant is uncertain. ACMG/AMP Criteria applied: PM2, PP2 (Richards 2015).

Biesecker Lab/Clinical Genomics Section, National Institutes of Health
Classification: Uncertain significance for Ventricular tachycardia, polymorphic. Last evaluated: 2018-04-05. Review status: criteria provided, single submitter. Criteria: ACMG Guidelines, 2015. Collection method: research. Allele origin: unknown. Affected: no. Observed: 1 variant allele.
Comment: The study set was not selected for affection status in relation to arrhythmia or cardiomyopathy. Pathogenicity categories were based on literature curation. See Pubmed ID:25741868 for details.

Medical sequencing

NM_001035.3(RYR2):c.5657dup (p.Lys1887fs)

Gene: RYR2 (ryanodine receptor 2; plus strand). Cytogenetic location: 1q43.
Variant type: Duplication.
Coding change: c.5657dup on transcript NM_001035.3 (MANE Select); coding-DNA position 5657, one base duplicated (G; older notation c.5657dupG).
Protein change: p.Lys1887fs; shifts the reading frame from lysine 1887.
Molecular consequence: frameshift variant.
Genome position (GRCh38, 1-based): chr1:237,614,785, G duplicated; the last of 6 consecutive G bases (chr1:237,614,780-237,614,785); duplicating any one gives the same sequence. VCF-style (leftmost placement, unchanged base first): chr1-237614779-A-AG. GRCh37 (hg19) VCF-style: chr1-237778079-A-AG.
Other names: c.5657dup, p.Lys1887fs (LRG_402t1); short protein forms K1887fs.
Identifiers: ClinVar variation 191379 (VCV000191379.5), dbSNP rs786205273, ClinGen allele CA199795.